The following is an entry in ClinVar:

NM_006231.4(POLE):c.1945G>C (p.Ala649Pro)

Gene: POLE (DNA polymerase epsilon, catalytic subunit; minus strand). Cytogenetic location: 12q24.33.
Variant type: single nucleotide variant.
Coding change: c.1945G>C on transcript NM_006231.4 (MANE Select); coding-DNA position 1945, G replaced by C.
Protein change: p.Ala649Pro; replaces alanine 649 with proline.
Molecular consequence: missense variant.
Genome position (GRCh38, 1-based): chr12:132,668,716, C>G on the plus strand (G>C on the coding strand, the complement: POLE is on the minus strand). VCF-style: chr12-132668716-C-G. GRCh37 (hg19) VCF-style: chr12-133245302-C-G.
Other names: short protein forms A649P.
Identifiers: ClinVar variation 4746899 (VCV004746899.1).

ClinVar aggregate classification (germline): Uncertain significance (1 of 4 stars; one submission).

Submission:

Labcorp Genetics (formerly Invitae), Labcorp
Classification: Uncertain significance. Last evaluated: 2025-10-05. Review status: criteria provided, single submitter. Criteria: Invitae Variant Classification Sherloc (09022015). Collection method: clinical testing. Allele origin: germline.
Comment: This sequence change replaces alanine, which is neutral and non-polar, with proline, which is neutral and non-polar, at codon 649 of the POLE protein (p.Ala649Pro). This variant is not present in population databases (gnomAD no frequency). This variant has not been reported in the literature in individuals affected with POLE-related conditions. Invitae Evidence Modeling of protein sequence and biophysical properties (such as structural, functional, and spatial information, amino acid conservation, physicochemical variation, residue mobility, and thermodynamic stability) has been performed for this missense variant. However, the output from this modeling did not meet the statistical confidence thresholds required to predict the impact of this variant on POLE protein function. In summary, the available evidence is currently insufficient to determine the role of this variant in disease. Therefore, it has been classified as a Variant of Uncertain Significance.